The following is an entry in ClinVar:

ClinVar aggregate classification (germline): Uncertain significance (1 of 4 stars; one submission).

Conditions:
Cardiovascular phenotype. Identifiers: MedGen CN230736.

Submission:

Ambry Genetics
Classification: Uncertain significance for Cardiovascular phenotype. Last evaluated: 2025-11-13. Review status: criteria provided, single submitter. Criteria: Ambry Variant Classification Scheme 2023. Collection method: clinical testing. Allele origin: germline.
Comment: The c.1582-3C>T intronic variant results from a C to T substitution 3 nucleotides upstream from coding exon 13 in the MYH6 gene. This nucleotide position is well conserved in available vertebrate species. In silico splice site analysis predicts that this alteration will not have any significant effect on splicing. Based on the available evidence, the clinical significance of this variant remains unclear.

NM_002471.4(MYH6):c.1582-3C>T

Gene: MYH6 (myosin heavy chain 6; minus strand). Cytogenetic location: 14q11.2.
Variant type: single nucleotide variant.
Coding change: c.1582-3C>T on transcript NM_002471.4 (MANE Select); 3 bases into the intron before coding-DNA position 1582, C replaced by T.
Molecular consequence: intron variant.
Genome position (GRCh38, 1-based): chr14:23,399,040, G>A on the plus strand (C>T on the coding strand, the complement: MYH6 is on the minus strand). VCF-style: chr14-23399040-G-A. GRCh37 (hg19) VCF-style: chr14-23868249-G-A.
Identifiers: ClinVar variation 4614619 (VCV004614619.1).